The following is an entry in ClinVar:

ClinVar aggregate classification (germline): Benign. Review status: criteria provided, multiple submitters, no conflicts (2 of 4 stars). 3 submissions from 3 submitters: Benign (3). Last evaluated 2026-04-14.

Conditions:
Familial intrahepatic cholestasis. Identifiers: Orphanet 284385, MedGen CN296401, MONDO:0017290.

Allele frequency attached by ClinVar (database versions not stated): 1000 Genomes Project 30x 0.25016; 1000 Genomes Project 0.25040; TOPMed 0.31184; gnomAD 0.32852 and 0.33186; gnomAD exomes 0.35101.
gnomAD v4.1: 284,242 of 820,658 alleles (35%); highest among the groups gnomAD compares: Non-Finnish European, 39%; 53,738 homozygotes.

Submissions (3):

Genomenon, Inc
Classification: Benign for Familial intrahepatic cholestasis. Last evaluated: 2026-04-14. Review status: criteria provided, single submitter. Criteria: Genomenon Sequence Variant Interpretation Standards - Updated. Collection method: curation. Allele origin: germline. Affected: no.
Comment: ATP8B1 c.2210-114T>C is a deep intronic variant located in intron 19. This variant is present at high allele frequency in population databases. In conclusion, we classify ATP8B1 c.2210-114T>C as a benign variant.

GeneDx
Classification: Benign. Last evaluated: 2018-06-29. Review status: criteria provided, single submitter. Criteria: GeneDx Variant Classification Process June 2021. Collection method: clinical testing. Allele origin: germline. Affected: yes.

Breakthrough Genomics
Classification: Benign. Review status: criteria provided, single submitter. Criteria: ACMG Guidelines, 2015. Collection method: not provided. Allele origin: germline. Inheritance: Autosomal recessive inheritance. Affected: yes.

NM_001374385.1(ATP8B1):c.2210-114T>C

Genes: ATP8B1 (ATPase phospholipid transporting 8B1; minus strand), ATP8B1-AS1 (ATP8B1 antisense RNA 1; plus strand). Cytogenetic location: 18q21.31.
Variant type: single nucleotide variant.
Coding change: c.2210-114T>C on transcript NM_001374385.1 (MANE Select); 114 bases into the intron before coding-DNA position 2210, T replaced by C.
Molecular consequence: intron variant.
Genome position (GRCh38, 1-based): chr18:57,667,281, A>G on the plus strand (T>C on the coding strand, the complement: ATP8B1 is on the minus strand). VCF-style: chr18-57667281-A-G. GRCh37 (hg19) VCF-style: chr18-55334513-A-G.
Other names: c.2210-114T>C (NM_005603.6); c.2060-114T>C (NM_001374386.1).
Identifiers: ClinVar variation 1265829 (VCV001265829.4), dbSNP rs9964678, ClinGen allele CA14562391.
Genomic context (GRCh38, chr18:57,667,281, plus strand): 5'-TTATTTTGTTTTTTGAGACAGCATCTCACTCCCACTGCCTAGGCTGGAGTGCAGTGGCAC[A>G]ATCTCTGCTCACTACAGCCTCAACCTCCAGGATTCAAGTGATCTGCCCATCTCAGCACCA-3'